The following is an entry in ClinVar:

ClinVar aggregate classification (germline): Benign (1 of 4 stars; one submission).

Allele frequency attached by ClinVar (database versions not stated): 1000 Genomes Project 30x 0.03351.

Submission:

GeneDx
Classification: Benign. Last evaluated: 2018-06-14. Review status: criteria provided, single submitter. Criteria: GeneDx Variant Classification (06012015). Collection method: clinical testing. Allele origin: germline. Affected: yes.
Comment: This variant is considered likely benign or benign based on one or more of the following criteria: it is a conservative change, it occurs at a poorly conserved position in the protein, it is predicted to be benign by multiple in silico algorithms, and/or has population frequency not consistent with disease.

NM_004006.3(DMD):c.6913-3845_6913-3844insA

Gene: DMD (dystrophin; minus strand). Cytogenetic location: Xp21.1.
Variant type: Insertion.
Coding change: c.6913-3845_6913-3844insA on transcript NM_004006.3 (MANE Select); 3845 bases into the intron before coding-DNA position 6913 through 3844 bases into the intron before coding-DNA position 6913, A inserted.
Molecular consequence: intron variant.
Genome position: GRCh38 VCF-style: chrX-31879217-G-GT. GRCh37 (hg19) VCF-style: chrX-31897334-G-GT.
Other names: c.6889-3845_6889-3844insA (NM_000109.4); c.2890-3845_2890-3844insA (NM_004011.4); c.2881-3845_2881-3844insA (NM_004012.4); c.-468-3845_-468-3844insA (NM_004023.3, NM_004020.4, NM_004022.3 and 2 more transcripts); c.6901-3845_6901-3844insA (NM_004009.3); c.6544-3845_6544-3844insA (NM_004010.3).
Identifiers: ClinVar variation 673653 (VCV000673653.1), dbSNP rs1556965923, ClinGen allele CA328483433.